The following is an entry in ClinVar:

NM_052947.4(ALPK2):c.370G>C (p.Gly124Arg)

Gene: ALPK2 (alpha kinase 2; minus strand). Cytogenetic location: 18q21.31.
Variant type: single nucleotide variant.
Coding change: c.370G>C on transcript NM_052947.4 (MANE Select); coding-DNA position 370, G replaced by C.
Protein change: p.Gly124Arg; replaces glycine 124 with arginine.
Molecular consequence: missense variant.
Genome position (GRCh38, 1-based): chr18:58,580,406, C>G on the plus strand (G>C on the coding strand, the complement: ALPK2 is on the minus strand). VCF-style: chr18-58580406-C-G. GRCh37 (hg19) VCF-style: chr18-56247638-C-G.
Other names: short protein forms G124R.
Identifiers: ClinVar variation 2624510 (VCV002624510.2), dbSNP rs2051952260, ClinGen allele CA402568128.

ClinVar aggregate classification (germline): Uncertain significance (1 of 4 stars; one submission).

gnomAD v4.1: 1 of 1,614,002 alleles (0.000062%); no homozygotes.

Submission:

Ambry Genetics
Classification: Uncertain significance. Last evaluated: 2023-08-25. Review status: criteria provided, single submitter. Criteria: Ambry Variant Classification Scheme 2023. Collection method: clinical testing. Allele origin: germline.
Comment: The p.G124R variant (also known as c.370G>C), located in coding exon 3 of the ALPK2 gene, results from a G to C substitution at nucleotide position 370. The glycine at codon 124 is replaced by arginine, an amino acid with dissimilar properties. This amino acid position is conserved. In addition, this alteration is predicted to be tolerated by in silico analysis. Since supporting evidence is limited at this time, the clinical significance of this alteration remains unclear.